The following is an entry in ClinVar:

ClinVar aggregate classification (germline): Likely benign. Review status: criteria provided, multiple submitters, no conflicts (2 of 4 stars). 2 submissions from 2 submitters: Likely benign (2). Last evaluated 2025-03-17.

Conditions:
Severe early-onset pulmonary alveolar proteinosis due to MARS deficiency. Also called: PULMONARY ALVEOLAR PROTEINOSIS, REUNION ISLAND; Interstitial lung and liver disease. Identifiers: Orphanet 440427, MedGen C4225400, MONDO:0014206, OMIM 615486.
Charcot-Marie-Tooth disease axonal type 2U. Also called: CHARCOT-MARIE-TOOTH NEUROPATHY, TYPE 2U; CHARCOT-MARIE-TOOTH DISEASE, AXONAL, AUTOSOMAL DOMINANT, TYPE 2U. Identifiers: Orphanet 397735, MedGen C4084821, MONDO:0014566, OMIM 616280.
MARS1-related disorder. Also called: MARS1-related condition.

Allele frequency attached by ClinVar (database versions not stated): gnomAD exomes 0.00001; ExAC 0.00005; TOPMed 0.00009; gnomAD 0.00011; ESP Exome Variant Server 0.00015.
gnomAD v4.1: 31 of 1,614,148 alleles (0.0019%); highest among the groups gnomAD compares: African/African-American, 0.033%; 1 homozygote.

Submissions (2):

PreventionGenetics, part of Exact Sciences
Classification: Likely benign for MARS1-related condition. Last evaluated: 2025-03-17. Review status: criteria provided, single submitter. Criteria: ACMG Guidelines, 2015. Collection method: clinical testing. Allele origin: germline.
Comment: This variant is classified as likely benign based on ACMG/AMP sequence variant interpretation guidelines (Richards et al. 2015 PMID: 25741868, with internal and published modifications).

Labcorp Genetics (formerly Invitae), Labcorp
Classification: Likely benign for Charcot-Marie-Tooth disease axonal type 2U; Severe early-onset pulmonary alveolar proteinosis due to MARS deficiency. Last evaluated: 2025-03-09. Review status: criteria provided, single submitter. Criteria: Invitae Variant Classification Sherloc (09022015). Collection method: clinical testing. Allele origin: germline.

NM_004990.4(MARS1):c.1797T>C (p.Gly599=)

Gene: MARS1 (methionyl-tRNA synthetase 1; plus strand). Cytogenetic location: 12q13.3.
Variant type: single nucleotide variant.
Coding change: c.1797T>C on transcript NM_004990.4 (MANE Select); coding-DNA position 1797, T replaced by C.
Protein change: p.Gly599=; no amino-acid change (glycine 599 retained).
Molecular consequence: synonymous variant.
Genome position (GRCh38, 1-based): chr12:57,512,794, T>C. VCF-style: chr12-57512794-T-C. GRCh37 (hg19) VCF-style: chr12-57906577-T-C.
Other names: c.1797T>C (NM_004990.3).
Identifiers: ClinVar variation 2073199 (VCV002073199.5), dbSNP rs370662519, ClinGen allele CA6650626.